The following is an entry in ClinVar:

ClinVar aggregate classification (germline): Uncertain significance (1 of 4 stars; one submission).

Conditions:
Episodic kinesigenic dyskinesia (EKD). Also called: Paroxysmal kinesigenic dyskinesia. Identifiers: Orphanet 98809, MedGen C1868682, MONDO:0044202.

Submission:

Labcorp Genetics (formerly Invitae), Labcorp
Classification: Uncertain significance for Episodic kinesigenic dyskinesia. Last evaluated: 2024-08-27. Review status: criteria provided, single submitter. Criteria: Invitae Variant Classification Sherloc (09022015). Collection method: clinical testing. Allele origin: germline.
Comment: This sequence change replaces aspartic acid, which is acidic and polar, with glycine, which is neutral and non-polar, at codon 165 of the PRRT2 protein (p.Asp165Gly). This variant is present in population databases (no rsID available, gnomAD 0.0009%). This variant has not been reported in the literature in individuals affected with PRRT2-related conditions. Invitae Evidence Modeling of protein sequence and biophysical properties (such as structural, functional, and spatial information, amino acid conservation, physicochemical variation, residue mobility, and thermodynamic stability) indicates that this missense variant is not expected to disrupt PRRT2 protein function with a negative predictive value of 95%. In summary, the available evidence is currently insufficient to determine the role of this variant in disease. Therefore, it has been classified as a Variant of Uncertain Significance.

NM_145239.3(PRRT2):c.494A>G (p.Asp165Gly)

Genes: MVP-DT (MVP divergent transcript; minus strand), PRRT2 (proline rich transmembrane protein 2; plus strand). Cytogenetic location: 16p11.2.
Variant type: single nucleotide variant.
Coding change: c.494A>G on transcript NM_145239.3 (MANE Select); coding-DNA position 494, A replaced by G.
Protein change: p.Asp165Gly; replaces aspartic acid 165 with glycine.
Molecular consequence: missense variant.
Genome position (GRCh38, 1-based): chr16:29,813,548, A>G. VCF-style: chr16-29813548-A-G. GRCh37 (hg19) VCF-style: chr16-29824869-A-G.
Other names: c.494A>G, p.Asp165Gly (NM_001256442.2, NM_001256443.2); short protein forms D165G.
Identifiers: ClinVar variation 3712290 (VCV003712290.2).